The following is an entry in ClinVar:

NM_205850.3(SLC24A5):c.335C>T (p.Thr112Ile)

Gene: SLC24A5 (solute carrier family 24 member 5; plus strand). Cytogenetic location: 15q21.1.
Variant type: single nucleotide variant.
Coding change: c.335C>T on transcript NM_205850.3 (MANE Select); coding-DNA position 335, C replaced by T.
Protein change: p.Thr112Ile; replaces threonine 112 with isoleucine.
Molecular consequence: missense variant.
Genome position (GRCh38, 1-based): chr15:48,134,291, C>T. VCF-style: chr15-48134291-C-T. GRCh37 (hg19) VCF-style: chr15-48426488-C-T.
Other names: short protein forms T112I.
Identifiers: ClinVar variation 3607082 (VCV003607082.1).

ClinVar aggregate classification (germline): Uncertain significance (1 of 4 stars; one submission).

gnomAD v4.1: 4 of 1,613,672 alleles (0.00025%); highest among the groups gnomAD compares: Non-Finnish European, 0.00034%; no homozygotes.

Submission:

Labcorp Genetics (formerly Invitae), Labcorp
Classification: Uncertain significance. Last evaluated: 2024-10-07. Review status: criteria provided, single submitter. Criteria: Invitae Variant Classification Sherloc (09022015). Collection method: clinical testing. Allele origin: germline.
Comment: This sequence change replaces threonine, which is neutral and polar, with isoleucine, which is neutral and non-polar, at codon 112 of the SLC24A5 protein (p.Thr112Ile). This variant is present in population databases (no rsID available, gnomAD 0.002%). This variant has not been reported in the literature in individuals affected with SLC24A5-related conditions. Invitae Evidence Modeling of protein sequence and biophysical properties (such as structural, functional, and spatial information, amino acid conservation, physicochemical variation, residue mobility, and thermodynamic stability) indicates that this missense variant is expected to disrupt SLC24A5 protein function with a positive predictive value of 80%. In summary, the available evidence is currently insufficient to determine the role of this variant in disease. Therefore, it has been classified as a Variant of Uncertain Significance.